The following is an entry in ClinVar:

NM_001042492.3(NF1):c.7693A>G (p.Thr2565Ala)

Gene: NF1 (neurofibromin 1; plus strand). Cytogenetic location: 17q11.2.
Variant type: single nucleotide variant.
Coding change: c.7693A>G on transcript NM_001042492.3 (MANE Select); coding-DNA position 7693, A replaced by G.
Protein change: p.Thr2565Ala; replaces threonine 2565 with alanine.
Molecular consequence: missense variant.
Genome position (GRCh38, 1-based): chr17:31,356,537, A>G. VCF-style: chr17-31356537-A-G. GRCh37 (hg19) VCF-style: chr17-29683555-A-G.
Other names: c.7630A>G, p.Thr2544Ala (NM_000267.4); short protein forms T2544A, T2565A.
Identifiers: ClinVar variation 185904 (VCV000185904.16), dbSNP rs786202548, ClinGen allele CA193316.

ClinVar aggregate classification (germline): Conflicting classifications of pathogenicity. Review status: criteria provided, conflicting classifications (1 of 4 stars). 7 submissions from 6 submitters: Uncertain significance (6); Likely benign (1). Last evaluated 2026-07-03.

Conditions:
Cardiovascular phenotype. Identifiers: MedGen CN230736.
Hereditary cancer-predisposing syndrome. Also called: Neoplastic Syndromes, Hereditary; Hereditary Cancer Syndrome; Tumor predisposition; Hereditary neoplastic syndrome. Identifiers: Orphanet 140162, MedGen C0027672, MeSH D009386, MONDO:0015356.
NF1-related disorder. Also called: NF1-related condition. Identifiers: MedGen CN379171.
Neurofibromatosis, familial spinal (FSNF). Identifiers: Orphanet 636, MedGen C1834235, MONDO:0008078, OMIM 162210. Disease mechanism: loss of function.
Juvenile myelomonocytic leukemia (JMML). Also called: LEUKEMIA, JUVENILE MYELOMONOCYTIC, SOMATIC. Identifiers: Orphanet 86834, MedGen C0349639, MONDO:0011908, OMIM 607785, HP:0012209.
Café-au-lait macules with pulmonary stenosis (WTSN). Also called: PULMONIC STENOSIS WITH CAFE-AU-LAIT SPOTS. Identifiers: MedGen C0553586, MONDO:0008672, OMIM 193520.
Neurofibromatosis-Noonan syndrome (NFNS). Also called: NEUROFIBROMATOSIS WITH NOONAN PHENOTYPE. Identifiers: Orphanet 638, MedGen C2931482, MONDO:0011035, OMIM 601321. Disease mechanism: loss of function.
Neurofibromatosis, type 1 (NF1). Also called: NEUROFIBROMATOSIS, TYPE I, SOMATIC; Neurofibromatosis, type I; Peripheral type neurofibromatosis; VON RECKLINGHAUSEN DISEASE. Identifiers: Orphanet 636, MedGen C0027831, MONDO:0018975, OMIM 162200. Disease mechanism: loss of function.

Allele frequency attached by ClinVar (database versions not stated): gnomAD exomes below 0.00001.

Submissions (7):

Ambry Genetics
Classification: Uncertain significance for Cardiovascular phenotype; Hereditary cancer-predisposing syndrome. Last evaluated: 2026-07-03. Review status: criteria provided, single submitter. Criteria: Ambry Variant Classification Scheme 2023. Collection method: clinical testing. Allele origin: germline.

PreventionGenetics, part of Exact Sciences
Classification: Uncertain significance for NF1-related condition. Last evaluated: 2026-04-24. Review status: criteria provided, single submitter. Criteria: ACMG Guidelines, 2015. Collection method: clinical testing. Allele origin: germline.
Comment: The NF1 c.7693A>G variant is predicted to result in the amino acid substitution p.Thr2565Ala. To our knowledge, this variant has not been reported in the literature in individuals with NF1-related conditions, or in a large population database (gnomAD), indicating this variant is rare. This variant has interpretations ranging from uncertain significance to likely benign in ClinVar (Variation ID: 185904). At this time, the clinical significance of this variant is uncertain due to the absence of conclusive functional and genetic evidence.

Labcorp Genetics (formerly Invitae), Labcorp
Classification: Likely benign for Neurofibromatosis, type 1. Last evaluated: 2025-09-15. Review status: criteria provided, single submitter. Criteria: Invitae Variant Classification Sherloc (09022015). Collection method: clinical testing. Allele origin: germline.

Genome-Nilou Lab
Classification: Uncertain significance for Neurofibromatosis, type 1. Last evaluated: 2022-03-15. Review status: criteria provided, single submitter. Criteria: ACMG Guidelines, 2015. Collection method: clinical testing. Allele origin: germline. Affected: no.

Fulgent Genetics
Classification: Uncertain significance for Neurofibromatosis, type 1; Neurofibromatosis, familial spinal; Café-au-lait macules with pulmonary stenosis; Neurofibromatosis-Noonan syndrome; Juvenile myelomonocytic leukemia. Last evaluated: 2021-09-27. Review status: criteria provided, single submitter. Criteria: ACMG Guidelines, 2015. Collection method: clinical testing. Allele origin: unknown.

GeneDx
Classification: Uncertain significance. Last evaluated: 2018-03-07. Review status: criteria provided, single submitter. Criteria: GeneDx Variant Classification (06012015). Collection method: clinical testing. Allele origin: germline. Affected: yes.
Comment: This variant is denoted NF1 c.7630A>G at the cDNA level, p.Thr2544Ala (T2544A) at the protein level, and results in the change of a Threonine to an Alanine (ACA>GCA). This variant has not, to our knowledge, been published in the literature as pathogenic or benign. NF1 Thr2544Ala was not observed in large population cohorts (Lek 2016). This variant is located in the C-terminal domain (Luo 2014). In silico analysis, which includes protein predictors and evolutionary conservation, supports that this variant does not alter protein structure/function. Based on currently available evidence, it is unclear whether NF1 Thr2544Ala is a pathogenic or benign variant. We consider it to be a variant of uncertain significance.

Ambry Genetics
Classification: Uncertain significance for Hereditary cancer-predisposing syndrome. Last evaluated: 2014-08-27. Review status: criteria provided, single submitter. Criteria: Ambry Autosomal Dominant and X-Linked criteria (10/2015). Collection method: clinical testing. Allele origin: germline. Observed: 1 variant allele.
Comment: The p.T2565A variant (also known as c.7693A>G), located in coding exon 52 of the NF1 gene, results from an A to G substitution at nucleotide position 7693. The threonine at codon 2565 is replaced by alanine, an amino acid with similar properties. This variant was not reported in population based cohorts in the following databases: Database of Single Nucleotide Polymorphisms (dbSNP), NHLBI Exome Sequencing Project (ESP), and 1000 Genomes Project. In the ESP, this variant was not observed in 6503 samples (13006 alleles) with coverage at this position.<span style="background-color: initial;">To date, this alteration has been detected with an allele frequency of approximately 0.01% (greater than 11000 alleles tested) in our clinical cohort. Based on protein sequence alignment, this<span style="background-color: initial;">amino acid position is highly conserved in available vertebrate species. In addition, the in silico prediction for this alteration is inconclusive.<span style="background-color: initial;">Since supporting evidence is limited at this time, the clinical significance of p.T2565A remains unclear.